The following is an entry in ClinVar:

NM_020937.4(FANCM):c.4576G>A (p.Val1526Ile)

Gene: FANCM (FA complementation group M; plus strand). Cytogenetic location: 14q21.2.
Variant type: single nucleotide variant.
Coding change: c.4576G>A on transcript NM_020937.4 (MANE Select); coding-DNA position 4576, G replaced by A.
Protein change: p.Val1526Ile; replaces valine 1526 with isoleucine.
Molecular consequence: missense variant.
Genome position (GRCh38, 1-based): chr14:45,185,277, G>A. VCF-style: chr14-45185277-G-A. GRCh37 (hg19) VCF-style: chr14-45654480-G-A.
Other names: c.4576G>A (NM_020937.2); c.4498G>A, p.Val1500Ile (NM_001308133.2); short protein forms V1500I, V1526I.
Identifiers: ClinVar variation 1420616 (VCV001420616.9), dbSNP rs982820875, ClinGen allele CA259634566.

ClinVar aggregate classification (germline): Uncertain significance. Review status: criteria provided, multiple submitters, no conflicts (2 of 4 stars). 2 submissions from 2 submitters: Uncertain significance (2). Last evaluated 2025-04-24.

Conditions:
Inborn genetic diseases. Identifiers: MedGen C0950123, MeSH D030342.
Fanconi anemia (FA). Also called: Fanconi's anemia. Identifiers: Orphanet 84, MedGen C0015625, MeSH D005199, MONDO:0019391.

Allele frequency attached by ClinVar (database versions not stated): gnomAD exomes below 0.00001.
gnomAD v4.1: 3 of 1,602,834 alleles (0.00019%); highest among the groups gnomAD compares: Non-Finnish European, 0.00026%; no homozygotes.

Submissions (2):

Labcorp Genetics (formerly Invitae), Labcorp
Classification: Uncertain significance for Fanconi anemia. Last evaluated: 2025-04-24. Review status: criteria provided, single submitter. Criteria: Invitae Variant Classification Sherloc (09022015). Collection method: clinical testing. Allele origin: germline.
Comment: This sequence change replaces valine, which is neutral and non-polar, with isoleucine, which is neutral and non-polar, at codon 1526 of the FANCM protein (p.Val1526Ile). This variant is not present in population databases (gnomAD no frequency). This variant has not been reported in the literature in individuals affected with FANCM-related conditions. ClinVar contains an entry for this variant (Variation ID: 1420616). An algorithm developed to predict the effect of missense changes on protein structure and function outputs the following: PolyPhen-2: "Benign". The isoleucine amino acid residue is found in multiple mammalian species, which suggests that this missense change does not adversely affect protein function. In summary, the available evidence is currently insufficient to determine the role of this variant in disease. Therefore, it has been classified as a Variant of Uncertain Significance.

Ambry Genetics
Classification: Uncertain significance for Inborn genetic diseases. Last evaluated: 2024-12-26. Review status: criteria provided, single submitter. Criteria: Ambry Variant Classification Scheme 2023. Collection method: clinical testing. Allele origin: germline.
Comment: The p.V1526I variant (also known as c.4576G>A), located in coding exon 18 of the FANCM gene, results from a G to A substitution at nucleotide position 4576. The valine at codon 1526 is replaced by isoleucine, an amino acid with highly similar properties. This amino acid position is conserved. In addition, this alteration is predicted to be tolerated by in silico analysis. Based on the available evidence, the clinical significance of this variant remains unclear.